The following is an entry in ClinVar:

NM_016734.3(PAX5):c.910+9A>G

Gene: PAX5 (paired box 5; minus strand). Cytogenetic location: 9p13.2.
Variant type: single nucleotide variant.
Coding change: c.910+9A>G on transcript NM_016734.3 (MANE Select); 9 bases into the intron after coding-DNA position 910, A replaced by G.
Molecular consequence: intron variant.
Genome position (GRCh38, 1-based): chr9:36,923,346, T>C on the plus strand (A>G on the coding strand, the complement: PAX5 is on the minus strand). VCF-style: chr9-36923346-T-C. GRCh37 (hg19) VCF-style: chr9-36923343-T-C.
Other names: c.586+9A>G (NM_001280551.2, NM_001280556.2); c.712+9A>G (NM_001280555.2); c.781+9A>G (NM_001280553.2, NM_001280554.2); c.780+43203A>G (NM_001280550.2, NM_001280549.2); c.910+9A>G (NM_001280552.2, NM_001280547.2, NM_001280548.2).
Identifiers: ClinVar variation 1336045 (VCV001336045.10), dbSNP rs191297254, ClinGen allele CA5058146.
Genomic context (GRCh38, chr9:36,923,346, plus strand): 5'-TCTTCCCACCACACACTCCTATCTCTCTCTCTCTCCCTCACTCATCCCCCATGCCCCAGG[T>C]GCCCTCACCTGTCACAATGGGGTAGGACTGCGGGCCTGGCACACTGCTCCCGATGTCAGC-3'

ClinVar aggregate classification (germline): Likely benign. Review status: criteria provided, multiple submitters, no conflicts (2 of 4 stars). 4 submissions from 4 submitters: Likely benign (4). Last evaluated 2026-08-25.

Conditions:
PAX5-related disorder. Also called: PAX5-related condition.

Allele frequency attached by ClinVar (database versions not stated): 1000 Genomes Project 30x 0.00016; ExAC 0.00017; gnomAD exomes 0.00017 and 0.00033; 1000 Genomes Project 0.00020; gnomAD 0.00021; TOPMed 0.00023.
gnomAD v4.1: 504 of 1,608,136 alleles (0.031%); highest among the groups gnomAD compares: Non-Finnish European, 0.04%; no homozygotes.

Submissions (4):

PreventionGenetics, part of Exact Sciences
Classification: Likely benign for PAX5-related condition. Last evaluated: 2026-08-25. Review status: criteria provided, single submitter. Criteria: ACMG Guidelines, 2015. Collection method: clinical testing. Allele origin: germline.
Comment: This variant is classified as likely benign based on ACMG/AMP sequence variant interpretation guidelines (Richards et al. 2015 PMID: 25741868, with internal and published modifications).

Labcorp Genetics (formerly Invitae), Labcorp
Classification: Likely benign. Last evaluated: 2026-01-26. Review status: criteria provided, single submitter. Criteria: Invitae Variant Classification Sherloc (09022015). Collection method: clinical testing. Allele origin: germline.

Blueprint Genetics
Classification: Likely benign. Last evaluated: 2024-10-15. Review status: criteria provided, single submitter. Criteria: ACMG Guidelines, 2015. Collection method: clinical testing. Allele origin: germline.

Genetic Services Laboratory, University of Chicago
Classification: Likely benign. Last evaluated: 2021-03-31. Review status: criteria provided, single submitter. Criteria: ACMG Guidelines, 2015. Collection method: clinical testing. Allele origin: germline. Affected: no.